The following is an entry in ClinVar:

NM_182493.3(MYLK3):c.1409C>T (p.Ala470Val)

Gene: MYLK3 (myosin light chain kinase 3; minus strand). Cytogenetic location: 16q11.2.
Variant type: single nucleotide variant.
Coding change: c.1409C>T on transcript NM_182493.3 (MANE Select); coding-DNA position 1409, C replaced by T.
Protein change: p.Ala470Val; replaces alanine 470 with valine.
Molecular consequence: missense variant.
Genome position (GRCh38, 1-based): chr16:46,732,261, G>A on the plus strand (C>T on the coding strand, the complement: MYLK3 is on the minus strand). VCF-style: chr16-46732261-G-A. GRCh37 (hg19) VCF-style: chr16-46766173-G-A.
Other names: c.386C>T, p.Ala129Val (NM_001308301.1); short protein forms A470V, A129V.
Identifiers: ClinVar variation 2856376 (VCV002856376.3), dbSNP rs1326006130, ClinGen allele CA395791962.

ClinVar aggregate classification (germline): Uncertain significance (1 of 4 stars; one submission).

Allele frequency attached by ClinVar (database versions not stated): gnomAD exomes below 0.00001; TOPMed below 0.00001.

Submission:

Labcorp Genetics (formerly Invitae), Labcorp
Classification: Uncertain significance. Last evaluated: 2023-11-06. Review status: criteria provided, single submitter. Criteria: Invitae Variant Classification Sherloc (09022015). Collection method: clinical testing. Allele origin: germline.
Comment: This sequence change replaces alanine, which is neutral and non-polar, with valine, which is neutral and non-polar, at codon 470 of the MYLK3 protein (p.Ala470Val). The frequency data for this variant in the population databases is considered unreliable, as metrics indicate poor data quality at this position in the gnomAD database. This variant has not been reported in the literature in individuals affected with MYLK3-related conditions. An algorithm developed to predict the effect of missense changes on protein structure and function (PolyPhen-2) suggests that this variant is likely to be tolerated. In summary, the available evidence is currently insufficient to determine the role of this variant in disease. Therefore, it has been classified as a Variant of Uncertain Significance.